The following is an entry in ClinVar:

ClinVar aggregate classification (germline): Uncertain significance (1 of 4 stars; one submission).

Conditions:
Fanconi anemia (FA). Also called: Fanconi's anemia. Identifiers: Orphanet 84, MedGen C0015625, MeSH D005199, MONDO:0019391.

Allele frequency attached by ClinVar (database versions not stated): gnomAD exomes below 0.00001; TOPMed below 0.00001; ExAC 0.00001.

Submission:

Labcorp Genetics (formerly Invitae), Labcorp
Classification: Uncertain significance for Fanconi anemia. Last evaluated: 2022-07-25. Review status: criteria provided, single submitter. Criteria: Invitae Variant Classification Sherloc (09022015). Collection method: clinical testing. Allele origin: germline.
Comment: In summary, the available evidence is currently insufficient to determine the role of this variant in disease. Therefore, it has been classified as a Variant of Uncertain Significance. Algorithms developed to predict the effect of missense changes on protein structure and function are either unavailable or do not agree on the potential impact of this missense change (SIFT: "Deleterious"; PolyPhen-2: "Possibly Damaging"; Align-GVGD: "Class C0"). ClinVar contains an entry for this variant (Variation ID: 954548). This variant has not been reported in the literature in individuals affected with FANCI-related conditions. This variant is present in population databases (rs772954096, gnomAD 0.0009%). This sequence change replaces leucine, which is neutral and non-polar, with valine, which is neutral and non-polar, at codon 8 of the FANCI protein (p.Leu8Val).

NM_001113378.2(FANCI):c.22C>G (p.Leu8Val)

Gene: FANCI (FA complementation group I; plus strand). Cytogenetic location: 15q26.1.
Variant type: single nucleotide variant.
Coding change: c.22C>G on transcript NM_001113378.2 (MANE Select); coding-DNA position 22, C replaced by G.
Protein change: p.Leu8Val; replaces leucine 8 with valine.
Molecular consequence: missense variant. On other transcripts: 5 prime UTR variant (1).
Genome position (GRCh38, 1-based): chr15:89,247,669, C>G. VCF-style: chr15-89247669-C-G. GRCh37 (hg19) VCF-style: chr15-89790900-C-G.
Other names: c.-253C>G (NM_001376910.1); c.22C>G, p.Leu8Val (NM_001376911.1, NM_018193.3); short protein forms L8V.
Identifiers: ClinVar variation 954548 (VCV000954548.9), dbSNP rs772954096, ClinGen allele CA7722466.
Genomic context (GRCh38, chr15:89,247,669, plus strand): 5'-CTGACGTTTTTCCCTTGTAGTTCTGTGATATGAGCAACAATGGACCAGAAGATTTTATCT[C>G]TAGCAGCAGAAAAAACAGCAGACAAACTGCAAGAATTTCTTCAAACCCTGAGAGAAGGTG-3'
Protein context (NP_001106849.1, residues 1-18): MDQKILS[Leu8Val]AAEKTADKLQ